The following is an entry in ClinVar:

ClinVar aggregate classification (germline): Conflicting classifications of pathogenicity. Review status: criteria provided, conflicting classifications (1 of 4 stars). 5 submissions from 5 submitters: Uncertain significance (1); Likely benign (3). 1 of the submissions does not count toward it. Last evaluated 2026-01-19.

Conditions:
DCAF17-related disorder. Also called: DCAF17-related condition.
Woodhouse-Sakati syndrome. Also called: Hypogonadism, Alopecia, Diabetes Mellitus, Mental Retardation, and Extrapyramidal Syndrome; Hypogonadism, diabetes mellitus, alopecia, mental retardation and electrocardiographic abnormalities; EXTRAPYRAMIDAL DISORDER, PROGRESSIVE, WITH PRIMARY HYPOGONADISM, MENTAL RETARDATION, AND ALOPECIA. Identifiers: Orphanet 3464, MedGen C0342286, MONDO:0009419, OMIM 241080.

Allele frequency attached by ClinVar (database versions not stated): gnomAD exomes 0.00018 and 0.00030; ExAC 0.00019; 1000 Genomes Project 0.00040; ESP Exome Variant Server 0.00050; TOPMed 0.00057; 1000 Genomes Project 30x 0.00062; gnomAD 0.00062 and 0.00064.
gnomAD v4.1: 380 of 1,614,144 alleles (0.024%); highest among the groups gnomAD compares: African/African-American, 0.16%; no homozygotes.

Submissions (5):

Labcorp Genetics (formerly Invitae), Labcorp
Classification: Likely benign for Woodhouse-Sakati syndrome. Last evaluated: 2026-01-19. Review status: criteria provided, single submitter. Criteria: Invitae Variant Classification Sherloc (09022015). Collection method: clinical testing. Allele origin: germline.

Blueprint Genetics
Classification: Likely benign. Last evaluated: 2024-10-07. Review status: criteria provided, single submitter. Criteria: ACMG Guidelines, 2015. Collection method: clinical testing. Allele origin: germline.

GeneDx
Classification: Likely benign. Last evaluated: 2019-06-10. Review status: criteria provided, single submitter. Criteria: GeneDx Variant Classification Process June 2021. Collection method: clinical testing. Allele origin: germline. Affected: yes.

Illumina Laboratory Services, Illumina
Classification: Uncertain significance for Woodhouse-Sakati syndrome. Last evaluated: 2018-01-13. Review status: criteria provided, single submitter. Criteria: ICSL Variant Classification Criteria 13 December 2019. Collection method: clinical testing. Allele origin: germline.

PreventionGenetics, part of Exact Sciences
Classification: Likely benign for DCAF17-related condition. Last evaluated: 2019-02-21. Review status: no assertion criteria provided. Collection method: clinical testing. Allele origin: germline. Not counted in ClinVar's aggregate classification.
Comment: This variant is classified as likely benign based on ACMG/AMP sequence variant interpretation guidelines (Richards et al. 2015 PMID: 25741868, with internal and published modifications).

NM_025000.4(DCAF17):c.792T>C (p.Thr264=)

Gene: DCAF17 (DDB1 and CUL4 associated factor 17; plus strand). Cytogenetic location: 2q31.1.
Variant type: single nucleotide variant.
Coding change: c.792T>C on transcript NM_025000.4 (MANE Select); coding-DNA position 792, T replaced by C.
Protein change: p.Thr264=; no amino-acid change (threonine 264 retained).
Molecular consequence: synonymous variant.
Genome position (GRCh38, 1-based): chr2:171,458,431, T>C. VCF-style: chr2-171458431-T-C. GRCh37 (hg19) VCF-style: chr2-172314941-T-C.
Other names: c.792T>C, p.Thr264= (NM_001164821.2).
Identifiers: ClinVar variation 332267 (VCV000332267.24), dbSNP rs199742600, ClinGen allele CA1964793.
Genomic context (GRCh38, chr2:171,458,431, plus strand): 5'-GTTCATGCAACAGAAACTTGACTTAGGGTGTGCATGCAGATGGGGTGGGACTACTGGAAC[T>C]GTAGGAGAGGCTCCTTTTGGCATTCCTTGTAATATTAAAATCACAGGTATGGCTACTCTA-3'
Protein context (NP_079276.2, residues 254-274): CACRWGGTTG[Thr264=]VGEAPFGIPC